The following is an entry in ClinVar:

ClinVar aggregate classification (germline): Conflicting classifications of pathogenicity. Review status: criteria provided, conflicting classifications (1 of 4 stars). 6 submissions from 6 submitters: Uncertain significance (1); Benign (1); Likely benign (4). Last evaluated 2026-07-28.

Conditions:
ATP7B-related disorder. Also called: ATP7B-related condition.
Wilson disease (WND). Also called: Wilson's disease. Identifiers: Orphanet 905, MedGen C0019202, MONDO:0010200, OMIM 277900. Disease mechanism: loss of function.

Allele frequency attached by ClinVar (database versions not stated): gnomAD 0.00013; TOPMed 0.00014.

Submissions (6):

PreventionGenetics, part of Exact Sciences
Classification: Likely benign for ATP7B-related condition. Last evaluated: 2026-07-28. Review status: criteria provided, single submitter. Criteria: ACMG Guidelines, 2015. Collection method: clinical testing. Allele origin: germline.
Comment: This variant is classified as likely benign based on ACMG/AMP sequence variant interpretation guidelines (Richards et al. 2015 PMID: 25741868, with internal and published modifications).

Labcorp Genetics (formerly Invitae), Labcorp
Classification: Benign for Wilson disease. Last evaluated: 2026-02-02. Review status: criteria provided, single submitter. Criteria: Invitae Variant Classification Sherloc (09022015). Collection method: clinical testing. Allele origin: germline.

All of Us Research Program, National Institutes of Health
Classification: Likely benign for Wilson disease. Last evaluated: 2023-12-13. Review status: criteria provided, single submitter. Criteria: ACMG Guidelines, 2015. Collection method: clinical testing. Allele origin: germline. Inheritance: Autosomal recessive inheritance. Observed: 14 variant alleles, 14 heterozygotes.
Comment: This study involves interpretation of variants in research participants for the purpose of population health screening. Participant phenotype was not available at the time of variant classification. Additional details can be found in publication PMID: 35346344, PMCID: PMC8962531

Color Diagnostics, LLC DBA Color Health
Classification: Likely benign for Wilson disease. Last evaluated: 2022-09-21. Review status: criteria provided, single submitter. Criteria: ACMG Guidelines, 2015. Collection method: clinical testing. Allele origin: germline.

Blueprint Genetics
Classification: Likely benign. Last evaluated: 2022-09-13. Review status: criteria provided, single submitter. Criteria: ACMG Guidelines, 2015. Collection method: clinical testing. Allele origin: germline.

Illumina Laboratory Services, Illumina
Classification: Uncertain significance for Wilson disease. Last evaluated: 2017-10-10. Review status: criteria provided, single submitter. Criteria: ICSL Variant Classification Criteria 13 December 2019. Collection method: clinical testing. Allele origin: germline.

NM_000053.4(ATP7B):c.813C>T (p.Cys271=)

Gene: ATP7B (ATPase copper transporting beta; minus strand). Cytogenetic location: 13q14.3.
Variant type: single nucleotide variant.
Coding change: c.813C>T on transcript NM_000053.4 (MANE Select); coding-DNA position 813, C replaced by T.
Protein change: p.Cys271=; no amino-acid change (cysteine 271 retained).
Molecular consequence: synonymous variant. On other transcripts: intron variant (1).
Genome position (GRCh38, 1-based): chr13:51,974,407, G>A on the plus strand (C>T on the coding strand, the complement: ATP7B is on the minus strand). VCF-style: chr13-51974407-G-A. GRCh37 (hg19) VCF-style: chr13-52548543-G-A.
Other names: c.813C>T, p.Cys271= (NM_001005918.3, NM_001330578.2, NM_001330579.2); c.802+11C>T (NM_001243182.2).
Identifiers: ClinVar variation 765181 (VCV000765181.18), dbSNP rs572147914, ClinGen allele CA6989495.